The following is an entry in ClinVar:

ClinVar aggregate classification (germline): Uncertain significance (1 of 4 stars; one submission).

Allele frequency attached by ClinVar (database versions not stated): ExAC 0.00001; gnomAD exomes 0.00001; TOPMed 0.00001.
gnomAD v4.1: 10 of 1,614,114 alleles (0.00062%); highest among the groups gnomAD compares: Non-Finnish European, 0.00076%; no homozygotes.

Submission:

Labcorp Genetics (formerly Invitae), Labcorp
Classification: Uncertain significance. Last evaluated: 2022-04-20. Review status: criteria provided, single submitter. Criteria: Invitae Variant Classification Sherloc (09022015). Collection method: clinical testing. Allele origin: germline.
Comment: This sequence change replaces arginine, which is basic and polar, with histidine, which is basic and polar, at codon 96 of the HPCA protein (p.Arg96His). This variant is present in population databases (rs746174926, gnomAD 0.006%). This variant has not been reported in the literature in individuals affected with HPCA-related conditions. Algorithms developed to predict the effect of missense changes on protein structure and function (SIFT, PolyPhen-2, Align-GVGD) all suggest that this variant is likely to be tolerated. In summary, the available evidence is currently insufficient to determine the role of this variant in disease. Therefore, it has been classified as a Variant of Uncertain Significance.

NM_002143.3(HPCA):c.287G>A (p.Arg96His)

Gene: HPCA (hippocalcin; plus strand). Cytogenetic location: 1p35.1.
Variant type: single nucleotide variant.
Coding change: c.287G>A on transcript NM_002143.3 (MANE Select); coding-DNA position 287, G replaced by A.
Protein change: p.Arg96His; replaces arginine 96 with histidine.
Molecular consequence: missense variant.
Genome position (GRCh38, 1-based): chr1:32,889,185, G>A. VCF-style: chr1-32889185-G-A. GRCh37 (hg19) VCF-style: chr1-33354786-G-A.
Other names: short protein forms R96H.
Identifiers: ClinVar variation 2195904 (VCV002195904.4), dbSNP rs746174926, ClinGen allele CA745887.